The following is an entry in ClinVar:

NM_014994.3(MAPKBP1):c.435C>T (p.Ser145=)

Gene: MAPKBP1 (mitogen-activated protein kinase binding protein 1; plus strand). Cytogenetic location: 15q15.1.
Variant type: single nucleotide variant.
Coding change: c.435C>T on transcript NM_014994.3 (MANE Select); coding-DNA position 435, C replaced by T.
Protein change: p.Ser145=; no amino-acid change (serine 145 retained).
Molecular consequence: synonymous variant. On other transcripts: non-coding transcript variant (2).
Genome position (GRCh38, 1-based): chr15:41,812,064, C>T. VCF-style: chr15-41812064-C-T. GRCh37 (hg19) VCF-style: chr15-42104262-C-T.
Other names: c.435C>T, p.Ser145= (NM_001128608.2, NM_001265611.2).
Identifiers: ClinVar variation 4977064 (VCV004977064.1).
Genomic context (GRCh38, chr15:41,812,064, plus strand): 5'-CCAGGTGGCCGAGCTGCAGGAGCACAAGTATGGTGTGGCTTGTGTGGCCTTCTCTCCTAG[C>T]GCCAAGTACATTGTCTCTGTGGGCTACCAGCATGACATGATCGTCAACGTGTGGGCCTGG-3'
Protein context (NP_055809.2, residues 135-155): YGVACVAFSP[Ser145=]AKYIVSVGYQ

ClinVar aggregate classification (germline): Likely benign (1 of 4 stars; one submission).

Conditions:
MAPKBP1-related disorder. Also called: MAPKBP1-related condition.

gnomAD v4.1: 14 of 1,613,920 alleles (0.00087%); highest among the groups gnomAD compares: Middle Eastern, 0.082%; no homozygotes.

Submission:

PreventionGenetics, part of Exact Sciences
Classification: Likely benign for MAPKBP1-related condition. Last evaluated: 2026-03-08. Review status: criteria provided, single submitter. Criteria: ACMG Guidelines, 2015. Collection method: clinical testing. Allele origin: germline.
Comment: This variant is classified as likely benign based on ACMG/AMP sequence variant interpretation guidelines (Richards et al. 2015 PMID: 25741868, with internal and published modifications).